The following is an entry in ClinVar:

NM_001123385.2(BCOR):c.458C>T (p.Pro153Leu)

Genes: BCOR (BCL6 corepressor; minus strand), LOC126863239 (MED14-independent group 3 enhancer GRCh37_chrX:39932994-39934193; plus strand). Cytogenetic location: Xp11.4.
Variant type: single nucleotide variant.
Coding change: c.458C>T on transcript NM_001123385.2 (MANE Select); coding-DNA position 458, C replaced by T.
Protein change: p.Pro153Leu; replaces proline 153 with leucine.
Molecular consequence: missense variant.
Genome position (GRCh38, 1-based): chrX:40,074,888, G>A on the plus strand (C>T on the coding strand, the complement: BCOR is on the minus strand). VCF-style: chrX-40074888-G-A. GRCh37 (hg19) VCF-style: chrX-39934141-G-A.
Other names: c.458C>T, p.Pro153Leu (NM_001123383.2, NM_001123384.2, NM_017745.6); short protein forms P153L.
Identifiers: ClinVar variation 1741699 (VCV001741699.4), dbSNP rs1365459588, ClinGen allele CA412748693.

ClinVar aggregate classification (germline): Uncertain significance. Review status: criteria provided, multiple submitters, no conflicts (2 of 4 stars). 3 submissions from 3 submitters: Uncertain significance (3). Last evaluated 2023-01-24.

Conditions:
Inborn genetic diseases. Identifiers: MedGen C0950123, MeSH D030342.
BCOR-related disorder. Also called: BCOR-related disorders; BCOR-related condition.

Allele frequency attached by ClinVar (database versions not stated): gnomAD 0.00001; gnomAD exomes 0.00001; TOPMed 0.00005.
gnomAD v4.1: 4 of 1,209,173 alleles (0.00033%); highest among the groups gnomAD compares: Admixed American, 0.0087%; no homozygotes.

Submissions (3):

PreventionGenetics, part of Exact Sciences
Classification: Uncertain significance for BCOR-related condition. Last evaluated: 2023-01-24. Review status: criteria provided, single submitter. Criteria: ACMG Guidelines, 2015. Collection method: clinical testing. Allele origin: germline.
Comment: The BCOR c.458C>T variant is predicted to result in the amino acid substitution p.Pro153Leu. To our knowledge, this variant has not been reported in the literature. This variant is reported in 0.0036% of alleles in individuals of Latino descent in gnomAD. At this time, the clinical significance of this variant is uncertain due to the absence of conclusive functional and genetic evidence.

GeneDx
Classification: Uncertain significance. Last evaluated: 2022-08-23. Review status: criteria provided, single submitter. Criteria: GeneDx Variant Classification Process June 2021. Collection method: clinical testing. Allele origin: germline. Affected: yes.
Comment: Not observed at significant frequency in large population cohorts (gnomAD); In silico analysis supports that this missense variant has a deleterious effect on protein structure/function; Has not been previously published as pathogenic or benign to our knowledge

Ambry Genetics
Classification: Uncertain significance for Inborn genetic diseases. Last evaluated: 2016-09-22. Review status: criteria provided, single submitter. Criteria: Ambry Variant Classification Scheme 2023. Collection method: clinical testing. Allele origin: germline.
Comment: The p.P153L variant (also known as c.458C>T), located in coding exon 3 of the BCOR gene, results from a C to T substitution at nucleotide position 458. The proline at codon 153 is replaced by leucine, an amino acid with some similar properties. This variant did not co-segregate with disease in one family tested in our laboratory. This variant was not reported in population based cohorts in the following databases: Database of Single Nucleotide Polymorphisms (dbSNP), NHLBI Exome Sequencing Project (ESP), and 1000 Genomes Project. In the ESP, this variant was not observed in 6502 samples with coverage at this position. This amino acid position is highly conserved in available vertebrate species. In addition, the in silico prediction for this alteration is inconclusive. Since supporting evidence is limited at this time, the clinical significance of this variant remains unclear.